The following is an entry in ClinVar:

ClinVar aggregate classification (germline): Pathogenic. Review status: criteria provided, multiple submitters, no conflicts (2 of 4 stars). 2 submissions from 2 submitters: Pathogenic (2). Last evaluated 2023-07-12.

Conditions:
Chromosome 2q32-q33 deletion syndrome (GLASS). Also called: Glass syndrome; 2q33.1 deletion syndrome. Identifiers: Orphanet 251019, MedGen C2676739, MONDO:0012864, OMIM 612313.

Submissions (2):

Laboratorio de Genetica e Diagnostico Molecular, Hospital Israelita Albert Einstein
Classification: Pathogenic for Chromosome 2q32-q33 deletion syndrome. Last evaluated: 2023-07-12. Review status: criteria provided, single submitter. Criteria: ACMG Guidelines, 2015. Collection method: clinical testing. Allele origin: germline. Affected: yes.
Comment: ACMG classification criteria: PVS1 very strong, PS2 moderate, PS4 supporting, PM2 moderate

GeneDx
Classification: Pathogenic. Last evaluated: 2018-10-17. Review status: criteria provided, single submitter. Criteria: GeneDx Variant Classification (06012015). Collection method: clinical testing. Allele origin: germline. Affected: yes.
Comment: The Q285X nonsense variant in the SATB2 gene is predicted to cause loss of normal protein function either through protein truncation or nonsense-mediated mRNA decay. The Q285X variant is not observed in large population cohorts (Lek et al., 2016).

NM_001172509.2(SATB2):c.853C>T (p.Gln285Ter)

Gene: SATB2 (SATB homeobox 2; minus strand). Cytogenetic location: 2q33.1.
Variant type: single nucleotide variant.
Coding change: c.853C>T on transcript NM_001172509.2 (MANE Select); coding-DNA position 853, C replaced by T.
Protein change: p.Gln285Ter; replaces glutamine 285 with a stop codon.
Molecular consequence: nonsense.
Genome position (GRCh38, 1-based): chr2:199,349,021, G>A on the plus strand (C>T on the coding strand, the complement: SATB2 is on the minus strand). VCF-style: chr2-199349021-G-A. GRCh37 (hg19) VCF-style: chr2-200213744-G-A.
Other names: c.853C>T, p.Gln285Ter (NM_001172517.1, NM_015265.4); short protein forms Q285*.
Identifiers: ClinVar variation 620393 (VCV000620393.2), dbSNP rs1559175170, ClinGen allele CA350387989.